The following is an entry in ClinVar:

ClinVar aggregate classification (germline): Uncertain significance (1 of 4 stars; one submission).

Conditions:
Familial cold autoinflammatory syndrome 3 (FCAS3). Also called: FAMILIAL ATYPICAL COLD URTICARIA; ANTIBODY DEFICIENCY AND IMMUNE DYSREGULATION, PLCG2-ASSOCIATED. Identifiers: Orphanet 300359, MedGen C3280914, MONDO:0013766, OMIM 614468.

Submission:

Labcorp Genetics (formerly Invitae), Labcorp
Classification: Uncertain significance for Familial cold autoinflammatory syndrome 3. Last evaluated: 2024-10-20. Review status: criteria provided, single submitter. Criteria: Invitae Variant Classification Sherloc (09022015). Collection method: clinical testing. Allele origin: germline.
Comment: This sequence change replaces isoleucine, which is neutral and non-polar, with methionine, which is neutral and non-polar, at codon 928 of the PLCG2 protein (p.Ile928Met). This variant is present in population databases (no rsID available, gnomAD 0.0009%). This variant has not been reported in the literature in individuals affected with PLCG2-related conditions. ClinVar contains an entry for this variant (Variation ID: 1475325). An algorithm developed to predict the effect of missense changes on protein structure and function (PolyPhen-2) suggests that this variant is likely to be tolerated. In summary, the available evidence is currently insufficient to determine the role of this variant in disease. Therefore, it has been classified as a Variant of Uncertain Significance.

NM_002661.5(PLCG2):c.2784C>G (p.Ile928Met)

Gene: PLCG2 (phospholipase C gamma 2; plus strand). Cytogenetic location: 16q23.3.
Variant type: single nucleotide variant.
Coding change: c.2784C>G on transcript NM_002661.5 (MANE Select); coding-DNA position 2784, C replaced by G.
Protein change: p.Ile928Met; replaces isoleucine 928 with methionine.
Molecular consequence: missense variant.
Genome position (GRCh38, 1-based): chr16:81,934,473, C>G. VCF-style: chr16-81934473-C-G. GRCh37 (hg19) VCF-style: chr16-81968078-C-G.
Other names: short protein forms I928M.
Identifiers: ClinVar variation 1475325 (VCV001475325.8), dbSNP rs769310647, ClinGen allele CA396904620.